The following is an entry in ClinVar:

ClinVar aggregate classification (germline): Uncertain significance (1 of 4 stars; one submission).

Conditions:
Cardiovascular phenotype. Identifiers: MedGen CN230736.

Allele frequency attached by ClinVar (database versions not stated): gnomAD exomes below 0.00001; gnomAD 0.00002; TOPMed 0.00002.

Submission:

Ambry Genetics
Classification: Uncertain significance for Cardiovascular phenotype. Last evaluated: 2023-12-11. Review status: criteria provided, single submitter. Criteria: Ambry Variant Classification Scheme 2023. Collection method: clinical testing. Allele origin: germline.
Comment: The p.V288M variant (also known as c.862G>A), located in coding exon 6 of the LCAT gene, results from a G to A substitution at nucleotide position 862. The valine at codon 288 is replaced by methionine, an amino acid with highly similar properties. This amino acid position is conserved. In addition, the in silico prediction for this alteration is inconclusive. Since supporting evidence is limited at this time, the clinical significance of this alteration remains unclear.

NM_000229.2(LCAT):c.862G>A (p.Val288Met)

Gene: LCAT (lecithin-cholesterol acyltransferase; minus strand). Cytogenetic location: 16q22.1.
Variant type: single nucleotide variant.
Coding change: c.862G>A on transcript NM_000229.2 (MANE Select); coding-DNA position 862, G replaced by A.
Protein change: p.Val288Met; replaces valine 288 with methionine.
Molecular consequence: missense variant.
Genome position (GRCh38, 1-based): chr16:67,940,365, C>T on the plus strand (G>A on the coding strand, the complement: LCAT is on the minus strand). VCF-style: chr16-67940365-C-T. GRCh37 (hg19) VCF-style: chr16-67974268-C-T.
Other names: short protein forms V288M.
Identifiers: ClinVar variation 1764100 (VCV001764100.2), dbSNP rs1478362225, ClinGen allele CA396376194.